The following is an entry in ClinVar:

ClinVar aggregate classification (germline): Uncertain significance (1 of 4 stars; one submission).

Conditions:
JAK2-related disorder. Also called: JAK2-related condition.

Submission:

PreventionGenetics, part of Exact Sciences
Classification: Uncertain significance for JAK2-related condition. Last evaluated: 2023-08-10. Review status: criteria provided, single submitter. Criteria: ACMG Guidelines, 2015. Collection method: clinical testing. Allele origin: germline.
Comment: The JAK2 c.2582G>A variant is predicted to result in the amino acid substitution p.Gly861Glu. To our knowledge, this variant has not been reported in the literature or in a large population database, indicating this variant is rare. At this time, the clinical significance of this variant is uncertain due to the absence of conclusive functional and genetic evidence.

NM_004972.4(JAK2):c.2582G>A (p.Gly861Glu)

Genes: INSL6 (insulin like 6; minus strand), JAK2 (Janus kinase 2; plus strand). Cytogenetic location: 9p24.1.
Variant type: single nucleotide variant.
Coding change: c.2582G>A on transcript NM_004972.4 (MANE Select); coding-DNA position 2582, G replaced by A.
Protein change: p.Gly861Glu; replaces glycine 861 with glutamic acid.
Molecular consequence: missense variant. On other transcripts: non-coding transcript variant (2).
Genome position (GRCh38, 1-based): chr9:5,089,684, G>A. VCF-style: chr9-5089684-G-A. GRCh37 (hg19) VCF-style: chr9-5089684-G-A.
Other names: c.2582G>A, p.Gly861Glu (NM_001322194.2, NM_001322195.2, NM_001322196.2); c.1367G>A, p.Gly456Glu (NM_001322198.2, NM_001322199.2); c.2135G>A, p.Gly712Glu (NM_001322204.2); short protein forms G456E, G712E, G861E.
Identifiers: ClinVar variation 2631224 (VCV002631224.1), dbSNP rs2130674525, ClinGen allele CA372828837.
Genomic context (GRCh38, chr9:5,089,684, plus strand): 5'-ATTTGCCTTGAAAACTTGGTATTTCCATCCTAATGTGATGTGTCATTTAGGGTAATTTTG[G>A]GAGTGTGGAGATGTGCCGGTATGACCCTCTACAGGACAACACTGGGGAGGTGGTCGCTGT-3'
Protein context (NP_004963.1, residues 851-871): FLQQLGKGNF[Gly861Glu]SVEMCRYDPL